The following is an entry in ClinVar:

ClinVar aggregate classification (germline): Benign/Likely benign. Review status: criteria provided, multiple submitters, no conflicts (2 of 4 stars). 11 submissions from 11 submitters: Benign (1); Likely benign (10). Last evaluated 2026-01-25.

Conditions:
Hereditary nonpolyposis colorectal neoplasms. Identifiers: MedGen C0009405, MeSH D003123.
Hereditary cancer-predisposing syndrome. Also called: Tumor predisposition; Hereditary neoplastic syndrome; Neoplastic Syndromes, Hereditary; Hereditary Cancer Syndrome. Identifiers: Orphanet 140162, MedGen C0027672, MeSH D009386, MONDO:0015356.
Lynch syndrome. Identifiers: Orphanet 144, MedGen C4552100, MONDO:0005835. Disease mechanism: loss of function.
Lynch syndrome 4 (LYNCH4). Also called: Colorectal cancer, hereditary nonpolyposis, type 4; Hereditary non-polyposis colorectal cancer, type 4. Identifiers: Orphanet 144, MedGen C1838333, MONDO:0013699, OMIM 614337. Disease mechanism: loss of function.

Allele frequency attached by ClinVar (database versions not stated): ExAC 0.00002; gnomAD exomes 0.00004 and 0.00008; TOPMed 0.00004; gnomAD 0.00006; ESP Exome Variant Server 0.00008.
gnomAD v4.1: 121 of 1,612,348 alleles (0.0075%); highest among the groups gnomAD compares: Non-Finnish European, 0.0099%; no homozygotes.

Submissions (11):

Labcorp Genetics (formerly Invitae), Labcorp
Classification: Likely benign for Hereditary nonpolyposis colorectal neoplasms. Last evaluated: 2026-01-25. Review status: criteria provided, single submitter. Criteria: Invitae Variant Classification Sherloc (09022015). Collection method: clinical testing. Allele origin: germline.

ARUP Laboratories, Molecular Genetics and Genomics, ARUP Laboratories
Classification: Likely benign. Last evaluated: 2025-07-23. Review status: criteria provided, single submitter. Criteria: ARUP Molecular Germline Variant Investigation Process 2024. Collection method: clinical testing. Allele origin: germline.

Myriad Genetics, Inc.
Classification: Benign for Lynch syndrome 4. Last evaluated: 2025-01-29. Review status: criteria provided, single submitter. Criteria: Myriad Autosomal Dominant, Autosomal Recessive and X-Linked Classification Criteria (2023). Collection method: clinical testing. Allele origin: unknown.
Comment: This variant is considered benign. This variant is a silent/synonymous amino acid change and it is not expected to impact splicing.

Quest Diagnostics Nichols Institute San Juan Capistrano
Classification: Likely benign. Last evaluated: 2024-12-30. Review status: criteria provided, single submitter. Criteria: Quest Diagnostics criteria. Collection method: clinical testing. Allele origin: unknown.

Blueprint Genetics
Classification: Likely benign. Last evaluated: 2024-10-23. Review status: criteria provided, single submitter. Criteria: ACMG Guidelines, 2015. Collection method: clinical testing. Allele origin: germline.

All of Us Research Program, National Institutes of Health
Classification: Likely benign for Lynch syndrome. Last evaluated: 2024-02-05. Review status: criteria provided, single submitter. Criteria: ACMG Guidelines, 2015. Collection method: clinical testing. Allele origin: germline. Inheritance: Autosomal dominant inheritance. Observed: 12 variant alleles, 12 heterozygotes.
Comment: This study involves interpretation of variants in research participants for the purpose of population health screening. Participant phenotype was not available at the time of variant classification. Additional details can be found in publication PMID: 35346344, PMCID: PMC8962531

Women's Health and Genetics/Laboratory Corporation of America, LabCorp
Classification: Likely benign. Last evaluated: 2022-12-08. Review status: criteria provided, single submitter. Criteria: LabCorp Variant Classification Summary - May 2015. Collection method: clinical testing. Allele origin: germline.

Sema4
Classification: Likely benign for Hereditary cancer-predisposing syndrome. Last evaluated: 2021-06-27. Review status: criteria provided, single submitter. Criteria: Sema4 Curation Guidelines. Collection method: curation. Allele origin: germline.

GeneDx
Classification: Likely benign. Last evaluated: 2020-02-24. Review status: criteria provided, single submitter. Criteria: GeneDx Variant Classification Process June 2021. Collection method: clinical testing. Allele origin: germline. Affected: yes.

Color Diagnostics, LLC DBA Color Health
Classification: Likely benign for Hereditary cancer-predisposing syndrome. Last evaluated: 2016-11-18. Review status: criteria provided, single submitter. Criteria: ACMG Guidelines, 2015. Collection method: clinical testing. Allele origin: germline.

Ambry Genetics
Classification: Likely benign for Hereditary cancer-predisposing syndrome. Last evaluated: 2014-07-12. Review status: criteria provided, single submitter. Criteria: Ambry Variant Classification Scheme 2023. Collection method: clinical testing. Allele origin: germline.

NM_000535.7(PMS2):c.1128A>C (p.Pro376=)

Gene: PMS2 (PMS1 homolog 2, mismatch repair system component; minus strand). Cytogenetic location: 7p22.1.
Variant type: single nucleotide variant.
Coding change: c.1128A>C on transcript NM_000535.7 (MANE Select); coding-DNA position 1128, A replaced by C.
Protein change: p.Pro376=; no amino-acid change (proline 376 retained).
Molecular consequence: synonymous variant. On other transcripts: non-coding transcript variant (1), intron variant (2).
Genome position (GRCh38, 1-based): chr7:5,989,816, T>G on the plus strand (A>C on the coding strand, the complement: PMS2 is on the minus strand). VCF-style: chr7-5989816-T-G. GRCh37 (hg19) VCF-style: chr7-6029447-T-G.
Other names: c.723A>C, p.Pro241= (NM_001322003.2, NM_001322004.2, NM_001322005.2 and 1 more transcripts); c.810A>C, p.Pro270= (NM_001322007.2, NM_001322008.2); c.195A>C, p.Pro65= (NM_001322011.2, NM_001322012.2); c.555A>C, p.Pro185= (NM_001322013.2); c.1128A>C, p.Pro376= (NM_001322014.2); c.819A>C, p.Pro273= (NM_001322015.2); c.583+2157A>C (NM_001322010.2); c.988+2157A>C (NM_001322006.2).
Identifiers: ClinVar variation 135932 (VCV000135932.26), dbSNP rs367774545, ClinGen allele CA009217.